The following is an entry in ClinVar:

NM_000503.6(EYA1):c.1199+13G>T

Gene: EYA1 (EYA transcriptional coactivator and phosphatase 1; minus strand). Cytogenetic location: 8q13.3.
Variant type: single nucleotide variant.
Coding change: c.1199+13G>T on transcript NM_000503.6 (MANE Select); 13 bases into the intron after coding-DNA position 1199, G replaced by T.
Molecular consequence: intron variant.
Genome position (GRCh38, 1-based): chr8:71,216,952, C>A on the plus strand (G>T on the coding strand, the complement: EYA1 is on the minus strand). VCF-style: chr8-71216952-C-A. GRCh37 (hg19) VCF-style: chr8-72129187-C-A.
Other names: c.1178+13G>T (NM_001370336.1); c.1286+13G>T (NM_001370333.1); c.1199+13G>T (NM_001370335.1, NM_001370334.1, NM_172058.4); c.1181+13G>T (NM_172059.5, NM_001288574.2); c.833+13G>T (NM_001288575.2).
Identifiers: ClinVar variation 163432 (VCV000163432.16), dbSNP rs200345478, ClinGen allele CA176077.
Genomic context (GRCh38, chr8:71,216,952, plus strand): 5'-AAAGTCCATCTTAATTAGGTAAGTAATTAAACTATAAAAGGGAGATGGTCACTTCACATT[C>A]AAGGGTGCTCACCTTAGGTCCTGTCCGTTATCATCTGAAGAAACATCATCTATATGGACT-3'

ClinVar aggregate classification (germline): Benign/Likely benign. Review status: criteria provided, multiple submitters, no conflicts (2 of 4 stars). 5 submissions from 4 submitters: Benign (3); Likely benign (2). Last evaluated 2026-01-22.

Conditions:
Melnick-Fraser syndrome (BOR). Also called: Branchio-oto-renal syndrome; Branchiootorenal syndrome; Branchiootorenal Syndrome (BORS). Identifiers: Orphanet 107, MedGen C0265234, MONDO:0007029.
Branchiootic syndrome 1 (BOS1). Also called: BO SYNDROME 1; BRANCHIOOTIC DYSPLASIA. Identifiers: MedGen C1865143, MONDO:0011258, OMIM 602588.
Otofaciocervical syndrome 1 (OTFCS). Identifiers: MedGen C3714941, MONDO:0024532, OMIM 166780.

Allele frequency attached by ClinVar (database versions not stated): gnomAD exomes 0.00009 and 0.00027; ExAC 0.00035; gnomAD 0.00090 and 0.00096; TOPMed 0.00097; 1000 Genomes Project 0.00100; 1000 Genomes Project 30x 0.00109; ESP Exome Variant Server 0.00115.
gnomAD v4.1: 282 of 1,612,980 alleles (0.017%); highest among the groups gnomAD compares: African/African-American, 0.33%; no homozygotes.

Submissions (5):

Labcorp Genetics (formerly Invitae), Labcorp
Classification: Benign for Melnick-Fraser syndrome. Last evaluated: 2026-01-22. Review status: criteria provided, single submitter. Criteria: Invitae Variant Classification Sherloc (09022015). Collection method: clinical testing. Allele origin: germline.

Blueprint Genetics
Classification: Likely benign. Last evaluated: 2023-06-19. Review status: criteria provided, single submitter. Criteria: ACMG Guidelines, 2015. Collection method: clinical testing. Allele origin: germline.

Illumina Laboratory Services, Illumina
Classification: Benign for Otofaciocervical syndrome 1. Last evaluated: 2018-01-12. Review status: criteria provided, single submitter. Criteria: ICSL Variant Classification Criteria 13 December 2019. Collection method: clinical testing. Allele origin: germline.
Comment: This variant was observed in the ICSL laboratory as part of a predisposition screen in an ostensibly healthy population. It had not been previously curated by ICSL or reported in the Human Gene Mutation Database (HGMD: prior to June 1st, 2018), and was therefore a candidate for classification through an automated scoring system. Utilizing variant allele frequency, disease prevalence and penetrance estimates, and inheritance mode, an automated score was calculated to assess if this variant is too frequent to cause the disease. Based on the score and internal cut-off values, a variant classified as benign is not then subjected to further curation. The score for this variant resulted in a classification of benign for this disease.

Illumina Laboratory Services, Illumina
Classification: Benign for Branchiootic syndrome. Last evaluated: 2018-01-12. Review status: criteria provided, single submitter. Criteria: ICSL Variant Classification Criteria 13 December 2019. Collection method: clinical testing. Allele origin: germline.
Comment: the same text as in the submission from Illumina Laboratory Services, Illumina above.

Laboratory for Molecular Medicine, Mass General Brigham Personalized Medicine
Classification: Likely benign. Last evaluated: 2012-04-30. Review status: criteria provided, single submitter. Criteria: LMM Criteria. Collection method: clinical testing. Allele origin: germline. Observed: 3 variant alleles.
Comment: 1199+13G>T in Intron 12 of EYA1: This variant is not expected to have clinical s ignificance because it is not located within the conserved splice consensus sequ ence and has been identified in 0.3% (12/3738) of African American chromosomes f rom a broad population by the NHLBI Exome Sequencing Project.